The following is an entry in ClinVar:

NM_018947.6(CYCS):c.62T>G (p.Val21Gly)

Gene: CYCS (cytochrome c, somatic; minus strand). Cytogenetic location: 7p15.3.
Variant type: single nucleotide variant.
Coding change: c.62T>G on transcript NM_018947.6 (MANE Select); coding-DNA position 62, T replaced by G.
Protein change: p.Val21Gly; replaces valine 21 with glycine.
Molecular consequence: missense variant.
Genome position (GRCh38, 1-based): chr7:25,124,058, A>C on the plus strand (T>G on the coding strand, the complement: CYCS is on the minus strand). VCF-style: chr7-25124058-A-C. GRCh37 (hg19) VCF-style: chr7-25163677-A-C.
Other names: short protein forms V21G.
Identifiers: ClinVar variation 1684432 (VCV001684432.1), dbSNP rs2128577612, ClinGen allele CA367060512.
Genomic context (GRCh38, chr7:25,124,058, plus strand): 5'-GTCTTCCGCCCAAAGAGACCATGGAGATTTGGCCCAGTCTTGTGCTTGCCTCCCTTTTCA[A>C]CGGTGTGGCACTGGGAACACTTCATAATAAAAATCTTCTTGCCTTTCTCAACATCACCCA-3'
Protein context (NP_061820.1, residues 11-31): FIMKCSQCHT[Val21Gly]EKGGKHKTGP

ClinVar aggregate classification (germline): Uncertain significance (0 of 4 stars; one submission).

Conditions:
Thrombocytopenia 4 (THC4). Also called: THROMBOCYTOPENIA, AUTOSOMAL DOMINANT, 4. Identifiers: Orphanet 268322, MedGen C2677608, MONDO:0012775, OMIM 612004.

Submission:

ISTH-SSC Genomics in Thrombosis and Hemostasis, KU Leuven, Center for Molecular and Vascular Biology
Classification: Uncertain significance for Thrombocytopenia 4. Review status: no assertion criteria provided. Collection method: research. Allele origin: unknown. Affected: yes.
Comment: Submitted to GoldVariant by Dr Karyn Mégy from NIHR Bioresource - Cambridge University, UK